The following is an entry in ClinVar:

NM_153704.6(TMEM67):c.161_188del (p.Tyr54fs)

Gene: TMEM67 (transmembrane protein 67; plus strand). Cytogenetic location: 8q22.1.
Variant type: Deletion.
Coding change: c.161_188del on transcript NM_153704.6 (MANE Select); coding-DNA positions 161 to 188, 28 bases deleted (ACTTTGATATCTCCGCCCTCTCGTGTGT).
Protein change: p.Tyr54fs; shifts the reading frame from tyrosine 54.
Molecular consequence: frameshift variant. On other transcripts: 5 prime UTR variant (1), non-coding transcript variant (1).
Genome position (GRCh38, 1-based): chr8:93,755,075-93,755,102, ACTTTGATATCTCCGCCCTCTCGTGTGT deleted; deleting any 28 consecutive bases within chr8:93,755,073-93,755,102 gives the same sequence; the c. name uses the placement nearest the transcript's 3' end. VCF-style (leftmost placement, unchanged base first): chr8-93755072-AGTACTTTGATATCTCCGCCCTCTCGTGT-A. GRCh37 (hg19) VCF-style: chr8-94767300-AGTACTTTGATATCTCCGCCCTCTCGTGT-A.
Other names: c.-124_-97del (NM_001142301.1); short protein forms Y54fs.
Identifiers: ClinVar variation 2953713 (VCV002953713.3), dbSNP rs2536753244, ClinGen allele CA2740095067.

ClinVar aggregate classification (germline): Pathogenic (1 of 4 stars; one submission).

Conditions:
Joubert syndrome. Also called: CEREBELLOPARENCHYMAL DISORDER IV; JOUBERT-BOLTSHAUSER SYNDROME; Familial aplasia of the vermis. Identifiers: Orphanet 475, MedGen C5979921, MONDO:0018772.
Meckel-Gruber syndrome. Also called: DYSENCEPHALIA SPLANCHNOCYSTICA; GRUBER SYNDROME; Dysencephalia splachnocystica. Identifiers: Orphanet 564, MedGen C0265215, MONDO:0018921.

Submission:

Labcorp Genetics (formerly Invitae), Labcorp
Classification: Pathogenic for Joubert syndrome; Meckel-Gruber syndrome. Last evaluated: 2023-11-17. Review status: criteria provided, single submitter. Criteria: Invitae Variant Classification Sherloc (09022015). Collection method: clinical testing. Allele origin: germline.
Comment: This sequence change creates a premature translational stop signal (p.Tyr54Phefs*24) in the TMEM67 gene. It is expected to result in an absent or disrupted protein product. Loss-of-function variants in TMEM67 are known to be pathogenic (PMID: 20232449, 23559409). This variant is not present in population databases (gnomAD no frequency). This variant has not been reported in the literature in individuals affected with TMEM67-related conditions. For these reasons, this variant has been classified as Pathogenic.

Literature cited by the submitters: PubMed 20232449; PubMed 23559409.